The following is an entry in ClinVar:

NM_001046.3(SLC12A2):c.289G>A (p.Ala97Thr)

Genes: SLC12A2 (solute carrier family 12 member 2; plus strand), LOC129994526 (ATAC-STARR-seq lymphoblastoid silent region 16295; plus strand). Cytogenetic location: 5q23.3.
Variant type: single nucleotide variant.
Coding change: c.289G>A on transcript NM_001046.3 (MANE Select); coding-DNA position 289, G replaced by A.
Protein change: p.Ala97Thr; replaces alanine 97 with threonine.
Molecular consequence: missense variant. On other transcripts: non-coding transcript variant (1).
Genome position (GRCh38, 1-based): chr5:128,084,243, G>A. VCF-style: chr5-128084243-G-A. GRCh37 (hg19) VCF-style: chr5-127419935-G-A.
Other names: c.289G>A, p.Ala97Thr (NM_001256461.2); short protein forms A97T.
Identifiers: ClinVar variation 2711370 (VCV002711370.3), dbSNP rs1759959773, ClinGen allele CA360736192.

ClinVar aggregate classification (germline): Uncertain significance (1 of 4 stars; one submission).

Allele frequency attached by ClinVar (database versions not stated): gnomAD exomes below 0.00001.
gnomAD v4.1: 5 of 1,219,558 alleles (0.00041%); highest among the groups gnomAD compares: Non-Finnish European, 0.00051%; no homozygotes.

Submission:

Labcorp Genetics (formerly Invitae), Labcorp
Classification: Uncertain significance. Last evaluated: 2025-09-08. Review status: criteria provided, single submitter. Criteria: Invitae Variant Classification Sherloc (09022015). Collection method: clinical testing. Allele origin: germline.
Comment: This sequence change replaces alanine, which is neutral and non-polar, with threonine, which is neutral and polar, at codon 97 of the SLC12A2 protein (p.Ala97Thr). This variant is not present in population databases (gnomAD no frequency). This variant has not been reported in the literature in individuals affected with SLC12A2-related conditions. ClinVar contains an entry for this variant (Variation ID: 2711370). Invitae Evidence Modeling of protein sequence and biophysical properties (such as structural, functional, and spatial information, amino acid conservation, physicochemical variation, residue mobility, and thermodynamic stability) indicates that this missense variant is not expected to disrupt SLC12A2 protein function with a negative predictive value of 95%. In summary, the available evidence is currently insufficient to determine the role of this variant in disease. Therefore, it has been classified as a Variant of Uncertain Significance.